The following is an entry in ClinVar:

ClinVar aggregate classification (germline): Uncertain significance. Review status: criteria provided, single submitter (1 of 4 stars). 2 submissions from 2 submitters: Uncertain significance (1). 1 of the submissions does not count toward it. Last evaluated 2022-03-19.

Conditions:
Microcephaly, normal intelligence and immunodeficiency (NBS). Also called: Nijmegen breakage syndrome; Microcephaly with normal intelligence immunodeficiency and lymphoreticular malignancies; Nonsyndromal microcephaly autosomal recessive with normal intelligence; Seemanova syndrome 2; SEEMANOVA SYNDROME II; IMMUNODEFICIENCY, MICROCEPHALY, AND CHROMOSOMAL INSTABILITY. Identifiers: Orphanet 647, MedGen C0398791, MONDO:0009623, OMIM 251260.
Malignant tumor of breast. Also called: Malignant breast neoplasm; Cancer breast. Identifiers: MedGen C0006142, MONDO:0007254. Disease mechanism: loss of function.

Allele frequency attached by ClinVar (database versions not stated): gnomAD exomes below 0.00001 and 0.00001.
gnomAD v4.1: 14 of 1,613,736 alleles (0.00087%); highest among the groups gnomAD compares: Non-Finnish European, 0.0012%; no homozygotes.

Submissions (2):

Labcorp Genetics (formerly Invitae), Labcorp
Classification: Uncertain significance for Microcephaly, normal intelligence and immunodeficiency. Last evaluated: 2022-03-19. Review status: criteria provided, single submitter. Criteria: Invitae Variant Classification Sherloc (09022015). Collection method: clinical testing. Allele origin: germline.
Comment: ClinVar contains an entry for this variant (Variation ID: 1050771). In summary, the available evidence is currently insufficient to determine the role of this variant in disease. Therefore, it has been classified as a Variant of Uncertain Significance. Algorithms developed to predict the effect of missense changes on protein structure and function output the following: SIFT: "Tolerated"; PolyPhen-2: "Benign"; Align-GVGD: "Class C0". The serine amino acid residue is found in multiple mammalian species, which suggests that this missense change does not adversely affect protein function. This variant has not been reported in the literature in individuals affected with NBN-related conditions. This variant is present in population databases (no rsID available, gnomAD 0.0009%). This sequence change replaces alanine, which is neutral and non-polar, with serine, which is neutral and polar, at codon 422 of the NBN protein (p.Ala422Ser).

Department of Pathology and Laboratory Medicine, Sinai Health System
Classification: Uncertain significance for Malignant tumor of breast. Review status: no assertion criteria provided. Collection method: clinical testing. Allele origin: unknown. Affected: yes. Study: The Canadian Open Genetics Repository (COGR). Not counted in ClinVar's aggregate classification.
Comment: The NBN p.Ala422Ser variant was not identified in the literature nor was it identified in the ClinVar and LOVD 3.0 databases. The variant was identified in dbSNP (rs1336243918) as â€šÃ„ÃºNAâ€šÃ„Ã¹. The variant was identified in control databases in 1 of 251,366 chromosomes at a frequency of 0.000004 (Genome Aggregation Database Feb 27, 2017). The variant was observed in the following populations: European in 1 of 113,684 chromosomes (freq: 0.000009), while the variant was not observed in the African, Latino, Ashkenazi Jewish, East Asian, Finnish, Other and South Asian populations. The p.Ala422 residue is not conserved in mammals and computational analyses (PolyPhen-2, SIFT, AlignGVGD, BLOSUM, MutationTaster) do not suggest a high likelihood of impact to the protein; however, this information is not predictive enough to rule out pathogenicity. The variant occurs outside of the splicing consensus sequence and 2 of 4 in silico or computational prediction software programs (SpliceSiteFinder, MaxEntScan, NNSPLICE, GeneSplicer) predict a greater than 10% difference in splicing; this is not very predictive of pathogenicity. In summary, based on the above information the clinical significance of this variant cannot be determined with certainty at this time. This variant is classified as a variant of uncertain significance.

NM_002485.5(NBN):c.1264G>T (p.Ala422Ser)

Gene: NBN (nibrin; minus strand). Cytogenetic location: 8q21.3.
Variant type: single nucleotide variant.
Coding change: c.1264G>T on transcript NM_002485.5 (MANE Select); coding-DNA position 1264, G replaced by T.
Protein change: p.Ala422Ser; replaces alanine 422 with serine.
Molecular consequence: missense variant.
Genome position (GRCh38, 1-based): chr8:89,955,416, C>A on the plus strand (G>T on the coding strand, the complement: NBN is on the minus strand). VCF-style: chr8-89955416-C-A. GRCh37 (hg19) VCF-style: chr8-90967644-C-A.
Other names: c.1018G>T, p.Ala340Ser (NM_001024688.3); short protein forms A340S, A422S.
Identifiers: ClinVar variation 1050771 (VCV001050771.7), dbSNP rs1336243918, ClinGen allele CA371656241.